The following is an entry in ClinVar:

ClinVar aggregate classification (germline): Uncertain significance (1 of 4 stars; one submission).

Submission:

GeneDx
Classification: Uncertain significance. Last evaluated: 2023-07-04. Review status: criteria provided, single submitter. Criteria: GeneDx Variant Classification Process June 2021. Collection method: clinical testing. Allele origin: germline. Affected: yes.
Comment: Not observed at significant frequency in large population cohorts (gnomAD); In silico analysis supports that this missense variant has a deleterious effect on protein structure/function; Has not been previously published as pathogenic or benign to our knowledge

NM_001395656.1(ROBO2):c.784G>A (p.Asp262Asn)

Gene: ROBO2 (roundabout guidance receptor 2; plus strand). Cytogenetic location: 3p12.3.
Variant type: single nucleotide variant.
Coding change: c.784G>A on transcript NM_001395656.1 (MANE Select); coding-DNA position 784, G replaced by A.
Protein change: p.Asp262Asn; replaces aspartic acid 262 with asparagine.
Molecular consequence: missense variant. On other transcripts: 5 prime UTR variant (1).
Genome position (GRCh38, 1-based): chr3:77,493,360, G>A. VCF-style: chr3-77493360-G-A. GRCh37 (hg19) VCF-style: chr3-77542511-G-A.
Other names: c.832G>A, p.Asp278Asn (NM_001128929.3, NM_001378190.1, NM_001378191.1 and 5 more transcripts); c.784G>A, p.Asp262Asn (NM_001290039.2, NM_001290040.2, NM_001378193.1 and 3 more transcripts); c.-1135G>A (NM_001290065.2); c.853G>A, p.Asp285Asn (NM_001378192.1, NM_001378194.1, NM_001378198.1 and 5 more transcripts); short protein forms D262N, D278N, D285N.
Identifiers: ClinVar variation 3360805 (VCV003360805.1).
Genomic context (GRCh38, chr3:77,493,360, plus strand): 5'-GTAGAATTTCGTTGTCAAGTCCAAGGAGATCCTCAACCAACTGTGAGGTGGAAAAAGGAT[G>A]ATGCAGACTTGCCAAGAGGAAGGTAAGACCAACATATGGATGGAAGATTGTTAGATAACC-3'
Protein context (NP_001382585.1, residues 252-272): PQPTVRWKKD[Asp262Asn]ADLPRGRYDI